The following is an entry in ClinVar:

NM_000505.4(F12):c.849C>T (p.Asp283=)

Gene: F12 (coagulation factor XII; minus strand). Cytogenetic location: 5q35.3.
Variant type: single nucleotide variant.
Coding change: c.849C>T on transcript NM_000505.4 (MANE Select); coding-DNA position 849, C replaced by T.
Protein change: p.Asp283=; no amino-acid change (aspartic acid 283 retained).
Molecular consequence: synonymous variant.
Genome position (GRCh38, 1-based): chr5:177,404,365, G>A on the plus strand (C>T on the coding strand, the complement: F12 is on the minus strand). VCF-style: chr5-177404365-G-A. GRCh37 (hg19) VCF-style: chr5-176831366-G-A.
Identifiers: ClinVar variation 4280832 (VCV004280832.8).

ClinVar aggregate classification (germline): Uncertain significance. Review status: criteria provided, multiple submitters, no conflicts (2 of 4 stars). 2 submissions from 2 submitters: Uncertain significance (2). Last evaluated 2025-12-01.

gnomAD v4.1: 68 of 1,611,930 alleles (0.0042%); highest among the groups gnomAD compares: Middle Eastern, 0.12%; no homozygotes.

Submissions (2):

CeGaT Center for Human Genetics Tuebingen
Classification: Uncertain significance. Last evaluated: 2025-12-01. Review status: criteria provided, single submitter. Criteria: CeGaT Center For Human Genetics Tuebingen Variant Classification Criteria Version 2. Collection method: clinical testing. Allele origin: germline. Affected: yes. Observed: 2 variant alleles.
Comment: F12: PM2:Supporting, BP4

GeneDx
Classification: Uncertain significance. Last evaluated: 2025-04-23. Review status: criteria provided, single submitter. Criteria: GeneDx Variant Classification Process June 2021. Collection method: clinical testing. Allele origin: germline. Affected: yes.
Comment: In silico analysis indicates that this variant does not alter splicing; Has not been previously published as pathogenic or benign to our knowledge